The following is an entry in ClinVar:

ClinVar aggregate classification (germline): Uncertain significance (1 of 4 stars; one submission).

Conditions:
PHIP-related disorder. Also called: PHIP-related disorders; PHIP-related condition.

gnomAD v4.1: 21 of 1,588,636 alleles (0.0013%); highest among the groups gnomAD compares: Non-Finnish European, 0.0018%; no homozygotes.

Submission:

PreventionGenetics, part of Exact Sciences
Classification: Uncertain significance for PHIP-related condition. Last evaluated: 2024-12-02. Review status: criteria provided, single submitter. Criteria: ACMG Guidelines, 2015. Collection method: clinical testing. Allele origin: germline.
Comment: The PHIP c.3967A>G variant is predicted to result in the amino acid substitution p.Lys1323Glu. To our knowledge, this variant has not been reported in the literature. This variant is reported in 0.013% of alleles in individuals of European (Non-Finnish) descent in gnomAD. Although we suspect that this variant may be benign, at this time, the clinical significance of this variant is uncertain due to the absence of conclusive functional and genetic evidence.

NM_017934.7(PHIP):c.3967A>G (p.Lys1323Glu)

Genes: IRAK1BP1 (interleukin 1 receptor associated kinase 1 binding protein 1; plus strand), PHIP (PHIP subunit of CUL4-Ring ligase complex; minus strand). Cytogenetic location: 6q14.1.
Variant type: single nucleotide variant.
Coding change: c.3967A>G on transcript NM_017934.7 (MANE Select); coding-DNA position 3967, A replaced by G.
Protein change: p.Lys1323Glu; replaces lysine 1323 with glutamic acid.
Molecular consequence: missense variant.
Genome position (GRCh38, 1-based): chr6:78,954,900, T>C on the plus strand (A>G on the coding strand, the complement: PHIP is on the minus strand). VCF-style: chr6-78954900-T-C. GRCh37 (hg19) VCF-style: chr6-79664617-T-C.
Other names: short protein forms K1323E.
Identifiers: ClinVar variation 4999745 (VCV004999745.1).